The following is an entry in ClinVar:

NM_000288.4(PEX7):c.117C>G (p.His39Gln)

Gene: PEX7 (peroxisomal biogenesis factor 7; plus strand). Cytogenetic location: 6q23.3.
Variant type: single nucleotide variant.
Coding change: c.117C>G on transcript NM_000288.4 (MANE Select); coding-DNA position 117, C replaced by G.
Protein change: p.His39Gln; replaces histidine 39 with glutamine.
Molecular consequence: missense variant.
Genome position (GRCh38, 1-based): chr6:136,822,782, C>G. VCF-style: chr6-136822782-C-G. GRCh37 (hg19) VCF-style: chr6-137143920-C-G.
Other names: c.117C>G (NM_000288.3); short protein forms H39Q.
Identifiers: ClinVar variation 2059071 (VCV002059071.7), dbSNP rs779353296, ClinGen allele CA4017483.
Genomic context (GRCh38, chr6:136,822,782, plus strand): 5'-CTACGCCGCCGAGTTCTCCCCGTACCTGCCGGGCCGCCTGGCCTGCGCCACCGCGCAGCA[C>G]TACGGCATCGCGGGTGAGGCGGCGCCGCGCAGCTGGGGCCGGGGGGCGGAGGCGGAGGCG-3'
Protein context (NP_000279.1, residues 29-49): PGRLACATAQ[His39Gln]YGIAGCGTLL

ClinVar aggregate classification (germline): Uncertain significance. Review status: criteria provided, multiple submitters, no conflicts (2 of 4 stars). 3 submissions from 3 submitters: Uncertain significance (3). Last evaluated 2024-10-29.

Conditions:
Peroxisome biogenesis disorder 9B. Also called: PEX7-Related Refsum Disease; Refsum disease, adult, 2; PEROXISOME BIOGENESIS DISORDER, PEX7-RELATED, ATYPICAL. Identifiers: Orphanet 773, MedGen C2749346, MONDO:0013945, OMIM 614879.
Inborn genetic diseases. Identifiers: MedGen C0950123, MeSH D030342.

gnomAD v4.1: 66 of 1,357,744 alleles (0.0049%); highest among the groups gnomAD compares: South Asian, 0.07%; no homozygotes.

Submissions (3):

Blueprint Genetics
Classification: Uncertain significance. Last evaluated: 2024-10-29. Review status: criteria provided, single submitter. Criteria: ACMG Guidelines, 2015. Collection method: clinical testing. Allele origin: germline.

Labcorp Genetics (formerly Invitae), Labcorp
Classification: Uncertain significance for Peroxisome biogenesis disorder 9B. Last evaluated: 2023-12-11. Review status: criteria provided, single submitter. Criteria: Invitae Variant Classification Sherloc (09022015). Collection method: clinical testing. Allele origin: germline.
Comment: This sequence change replaces histidine, which is basic and polar, with glutamine, which is neutral and polar, at codon 39 of the PEX7 protein (p.His39Gln). This variant is present in population databases (rs779353296, gnomAD 0.1%). This variant has not been reported in the literature in individuals affected with PEX7-related conditions. ClinVar contains an entry for this variant (Variation ID: 2059071). An algorithm developed to predict the effect of missense changes on protein structure and function (PolyPhen-2) suggests that this variant is likely to be tolerated. In summary, the available evidence is currently insufficient to determine the role of this variant in disease. Therefore, it has been classified as a Variant of Uncertain Significance.

Ambry Genetics
Classification: Uncertain significance for Inborn genetic diseases. Last evaluated: 2023-05-24. Review status: criteria provided, single submitter. Criteria: Ambry Variant Classification Scheme 2023. Collection method: clinical testing. Allele origin: germline.